The following is an entry in ClinVar:

ClinVar aggregate classification (germline): Uncertain significance (1 of 4 stars; one submission).

Allele frequency attached by ClinVar (database versions not stated): gnomAD exomes 0.00001; TOPMed 0.00001; gnomAD 0.00002.

Submission:

Labcorp Genetics (formerly Invitae), Labcorp
Classification: Uncertain significance. Last evaluated: 2023-09-30. Review status: criteria provided, single submitter. Criteria: Invitae Variant Classification Sherloc (09022015). Collection method: clinical testing. Allele origin: germline.
Comment: In summary, the available evidence is currently insufficient to determine the role of this variant in disease. Therefore, it has been classified as a Variant of Uncertain Significance. An algorithm developed to predict the effect of missense changes on protein structure and function (PolyPhen-2) suggests that this variant is likely to be tolerated. This variant has not been reported in the literature in individuals affected with COL9A3-related conditions. This variant is present in population databases (no rsID available, gnomAD 0.002%). This sequence change replaces proline, which is neutral and non-polar, with leucine, which is neutral and non-polar, at codon 300 of the COL9A3 protein (p.Pro300Leu).

NM_001853.4(COL9A3):c.899C>T (p.Pro300Leu)

Gene: COL9A3 (collagen type IX alpha 3 chain; plus strand). Cytogenetic location: 20q13.33.
Variant type: single nucleotide variant.
Coding change: c.899C>T on transcript NM_001853.4 (MANE Select); coding-DNA position 899, C replaced by T.
Protein change: p.Pro300Leu; replaces proline 300 with leucine.
Molecular consequence: missense variant.
Genome position (GRCh38, 1-based): chr20:62,827,975, C>T. VCF-style: chr20-62827975-C-T. GRCh37 (hg19) VCF-style: chr20-61459327-C-T.
Other names: short protein forms P300L.
Identifiers: ClinVar variation 2868006 (VCV002868006.3), dbSNP rs1452886652, ClinGen allele CA409592818.
Genomic context (GRCh38, chr20:62,827,975, plus strand): 5'-TCCTCTAGGGCAGACCTGGTCCCAAGGGAACCCCCGGAGTGGCCGGGCCAAGCGGAGAGC[C>T]GGTGAGTGCACGTGGCTGCTCATGGAATGCTCCTCCCCCGGGTCCTGGGTATGTACAGGT-3'
Protein context (NP_001844.3, residues 290-310): TPGVAGPSGE[Pro300Leu]GMPGKDGQNG